The following is an entry in ClinVar:

ClinVar aggregate classification (germline): Conflicting classifications of pathogenicity. Review status: criteria provided, conflicting classifications (1 of 4 stars). 7 submissions from 7 submitters: Uncertain significance (1); Benign (1); Likely benign (4). 1 of the submissions does not count toward it. Last evaluated 2026-01-20.

Conditions:
Polycystic kidney disease 4 (PKD4). Also called: POLYCYSTIC KIDNEY DISEASE 4 WITH OR WITHOUT POLYCYSTIC LIVER DISEASE; Autosomal Recessive Polycystic Kidney Disease – PKHD1; POLYCYSTIC KIDNEY AND HEPATIC DISEASE 1; POLYCYSTIC KIDNEY DISEASE, INFANTILE, TYPE I; PKD3. Identifiers: MedGen C4540575, MONDO:0033004, OMIM 263200.
Autosomal recessive polycystic kidney disease (ARPKD). Also called: AR polycystic kidney disease. Identifiers: Orphanet 731, Orphanet 8378, MedGen C0085548, MeSH D017044, MONDO:0009889.

Submissions (7):

Labcorp Genetics (formerly Invitae), Labcorp
Classification: Benign for Autosomal recessive polycystic kidney disease. Last evaluated: 2026-01-20. Review status: criteria provided, single submitter. Criteria: Invitae Variant Classification Sherloc (09022015). Collection method: clinical testing. Allele origin: germline.

Mayo Clinic Laboratories, Mayo Clinic
Classification: Likely benign. Last evaluated: 2025-12-02. Review status: criteria provided, single submitter. Criteria: ACMG Guidelines, 2015. Collection method: clinical testing. Allele origin: germline. Observed: 3 variant alleles.
Comment: BS1, BP4, BP7

Blueprint Genetics
Classification: Likely benign. Last evaluated: 2024-10-08. Review status: criteria provided, single submitter. Criteria: ACMG Guidelines, 2015. Collection method: clinical testing. Allele origin: germline.

Department of Pathology and Laboratory Medicine, Sinai Health System
Classification: Likely benign for Polycystic kidney disease 4. Last evaluated: 2024-07-23. Review status: criteria provided, single submitter. Criteria: ACMG Guidelines, 2015. Collection method: clinical testing. Allele origin: germline. Affected: yes.

GeneDx
Classification: Likely benign. Last evaluated: 2022-03-20. Review status: criteria provided, single submitter. Criteria: GeneDx Variant Classification Process June 2021. Collection method: clinical testing. Allele origin: germline. Affected: yes.

Eurofins Ntd Llc (ga)
Classification: Uncertain significance. Last evaluated: 2014-11-14. Review status: criteria provided, single submitter. Criteria: EGL Classification Definitions. Collection method: clinical testing. Allele origin: germline. Observed: 1 variant allele, 1 heterozygote.

Natera, Inc.
Classification: Benign for Autosomal recessive polycystic kidney disease. Last evaluated: 2017-10-17. Review status: no assertion criteria provided. Collection method: clinical testing. Allele origin: germline. Not counted in ClinVar's aggregate classification.

NM_138694.4(PKHD1):c.8174-18dup

Gene: PKHD1 (PKHD1 ciliary IPT domain containing fibrocystin/polyductin; minus strand). Cytogenetic location: 6p12.2.
Variant type: Duplication.
Coding change: c.8174-18dup on transcript NM_138694.4 (MANE Select); 18 bases into the intron before coding-DNA position 8174, one base duplicated (T; older notation c.8174-18dupT).
Molecular consequence: intron variant.
Genome position (GRCh38, 1-based): chr6:51,830,999, A duplicated on the plus strand (T on the coding strand, the reverse complement: PKHD1 is on the minus strand); the first of 9 consecutive A bases (chr6:51,830,999-51,831,007); duplicating any one gives the same sequence. VCF-style (leftmost placement, unchanged base first): chr6-51830998-T-TA. GRCh37 (hg19) VCF-style: chr6-51695796-T-TA.
Other names: p.?; c.8174-10dup (NM_170724.3, NM_138694.4); c.8174-18dup (NM_170724.3); c.8174-10dupT (NM_138694.3).
Identifiers: ClinVar variation 197942 (VCV000197942.26), dbSNP rs566540835, ClinGen allele CA246346.